The following is an entry in ClinVar:

NM_018671.5(UNC45A):c.1490G>C (p.Arg497Pro)

Gene: UNC45A (unc-45 myosin chaperone A; plus strand). Cytogenetic location: 15q26.1.
Variant type: single nucleotide variant.
Coding change: c.1490G>C on transcript NM_018671.5 (MANE Select); coding-DNA position 1490, G replaced by C.
Protein change: p.Arg497Pro; replaces arginine 497 with proline.
Molecular consequence: missense variant.
Genome position (GRCh38, 1-based): chr15:90,946,904, G>C. VCF-style: chr15-90946904-G-C. GRCh37 (hg19) VCF-style: chr15-91490134-G-C.
Other names: c.1445G>C, p.Arg482Pro (NM_001039675.2, NM_001323621.2); c.1490G>C, p.Arg497Pro (NM_001323619.1); c.1055G>C, p.Arg352Pro (NM_001323620.2); short protein forms R482P, R352P, R497P.
Identifiers: ClinVar variation 1900957 (VCV001900957.5), dbSNP rs780206786, ClinGen allele CA393857087.
Genomic context (GRCh38, chr15:90,946,904, plus strand): 5'-ATGGTGTCTCGCTGCTGAAGGACCTATATAAGTGCAGCGAGAAGGACAGCATCCGCATCC[G>C]GGCGCTAGTGGTGAGACGGTGGGCCTGGGGTGGGTGGGCAGGCAGCCAGGCAGGGGTCCT-3'
Protein context (NP_061141.2, residues 487-507): KCSEKDSIRI[Arg497Pro]ALVGLCKLGS

ClinVar aggregate classification (germline): Uncertain significance (1 of 4 stars; one submission).

Submission:

Labcorp Genetics (formerly Invitae), Labcorp
Classification: Uncertain significance. Last evaluated: 2021-12-23. Review status: criteria provided, single submitter. Criteria: Invitae Variant Classification Sherloc (09022015). Collection method: clinical testing. Allele origin: germline.
Comment: This sequence change replaces arginine, which is basic and polar, with proline, which is neutral and non-polar, at codon 497 of the UNC45A protein (p.Arg497Pro). This variant is not present in population databases (gnomAD no frequency). This variant has not been reported in the literature in individuals affected with UNC45A-related conditions. Algorithms developed to predict the effect of missense changes on protein structure and function are either unavailable or do not agree on the potential impact of this missense change (SIFT: "Not Available"; PolyPhen-2: "Probably Damaging"; Align-GVGD: "Not Available"). In summary, the available evidence is currently insufficient to determine the role of this variant in disease. Therefore, it has been classified as a Variant of Uncertain Significance.